The following is an entry in ClinVar:

NM_001349253.2(SCN11A):c.5368T>C (p.Cys1790Arg)

Gene: SCN11A (sodium voltage-gated channel alpha subunit 11; minus strand). Cytogenetic location: 3p22.2.
Variant type: single nucleotide variant.
Coding change: c.5368T>C on transcript NM_001349253.2 (MANE Select); coding-DNA position 5368, T replaced by C.
Protein change: p.Cys1790Arg; replaces cysteine 1790 with arginine.
Molecular consequence: missense variant.
Genome position (GRCh38, 1-based): chr3:38,846,702, A>G on the plus strand (T>C on the coding strand, the complement: SCN11A is on the minus strand). VCF-style: chr3-38846702-A-G. GRCh37 (hg19) VCF-style: chr3-38888193-A-G.
Other names: c.5368T>C, p.Cys1790Arg (NM_014139.3); c.5368T>C (NM_014139.2); short protein forms C1790R.
Identifiers: ClinVar variation 1402950 (VCV001402950.10), dbSNP rs779955918, ClinGen allele CA2321345.
Genomic context (GRCh38, chr3:38,846,702, plus strand): 5'-AGAGGCTGAAGGCAAGGCTGTGAAGCTATGAGGTAGGCGTGGAGGTGAGGGCTCAGTCAC[A>G]GTGGACCTTGCCCTTGGCCACCCCAAAGCTAGACAAGTCTCCATTGCAAAGAGTCTGGAG-3'
Protein context (NP_001336182.1, residues 1780-1791): SFGVAKGKVH[Cys1790Arg]D

ClinVar aggregate classification (germline): Uncertain significance. Review status: criteria provided, multiple submitters, no conflicts (2 of 4 stars). 3 submissions from 3 submitters: Uncertain significance (3). Last evaluated 2026-02-03.

Conditions:
Hereditary sensory and autonomic neuropathy type 7. Also called: HSAN VII; Neuropathy, hereditary sensory and autonomic, type VII. Identifiers: Orphanet 391397, MedGen C3809882, MONDO:0014244, OMIM 615548.
Familial episodic pain syndrome with predominantly lower limb involvement. Also called: Episodic pain syndrome, familial, 3. Identifiers: Orphanet 391384, Orphanet 391392, MedGen C3809899, MONDO:0014247, OMIM 615552.
SCN11A-related disorder. Also called: SCN11A-related condition.
Inborn genetic diseases. Identifiers: MedGen C0950123, MeSH D030342.

Allele frequency attached by ClinVar (database versions not stated): ExAC 0.00001; gnomAD 0.00001; gnomAD exomes 0.00001 and 0.00002; TOPMed 0.00001.
gnomAD v4.1: 16 of 1,613,676 alleles (0.00099%); highest among the groups gnomAD compares: Non-Finnish European, 0.0013%; no homozygotes.

Submissions (3):

PreventionGenetics, part of Exact Sciences
Classification: Uncertain significance for SCN11A-related condition. Last evaluated: 2026-02-03. Review status: criteria provided, single submitter. Criteria: ACMG Guidelines, 2015. Collection method: clinical testing. Allele origin: germline.
Comment: The SCN11A c.5368T>C variant is predicted to result in the amino acid substitution p.Cys1790Arg. To our knowledge, this variant has not been reported in the literature. This variant is reported in 0.0044% of alleles in individuals of European (non-Finnish) descent in gnomAD. At this time, the clinical significance of this variant is uncertain due to the absence of conclusive functional and genetic evidence.

Labcorp Genetics (formerly Invitae), Labcorp
Classification: Uncertain significance for Familial episodic pain syndrome with predominantly lower limb involvement; Hereditary sensory and autonomic neuropathy type 7. Last evaluated: 2025-08-17. Review status: criteria provided, single submitter. Criteria: Invitae Variant Classification Sherloc (09022015). Collection method: clinical testing. Allele origin: germline.
Comment: This sequence change replaces cysteine, which is neutral and slightly polar, with arginine, which is basic and polar, at codon 1790 of the SCN11A protein (p.Cys1790Arg). This variant is present in population databases (rs779955918, gnomAD 0.004%). This variant has not been reported in the literature in individuals affected with SCN11A-related conditions. ClinVar contains an entry for this variant (Variation ID: 1402950). An algorithm developed to predict the effect of missense changes on protein structure and function (PolyPhen-2) suggests that this variant is likely to be tolerated. In summary, the available evidence is currently insufficient to determine the role of this variant in disease. Therefore, it has been classified as a Variant of Uncertain Significance.

Ambry Genetics
Classification: Uncertain significance for Inborn genetic diseases. Last evaluated: 2025-06-24. Review status: criteria provided, single submitter. Criteria: Ambry Variant Classification Scheme 2023. Collection method: clinical testing. Allele origin: germline.